The following is an entry in ClinVar:

ClinVar aggregate classification (germline): Pathogenic (1 of 4 stars; one submission).

Submission:

Labcorp Genetics (formerly Invitae), Labcorp
Classification: Pathogenic. Last evaluated: 2022-07-18. Review status: criteria provided, single submitter. Criteria: Invitae Variant Classification Sherloc (09022015). Collection method: clinical testing. Allele origin: germline.
Comment: This sequence change replaces tryptophan, which is neutral and slightly polar, with cysteine, which is neutral and slightly polar, at codon 431 of the ABCA4 protein (p.Trp431Cys). For these reasons, this variant has been classified as Pathogenic. Advanced modeling of protein sequence and biophysical properties (such as structural, functional, and spatial information, amino acid conservation, physicochemical variation, residue mobility, and thermodynamic stability) performed at Invitae indicates that this missense variant is expected to disrupt ABCA4 protein function. ClinVar contains an entry for this variant (Variation ID: 1364604). This missense change has been observed in individual(s) with ABCA4-related conditions (PMID: 32307445; Invitae). In at least one individual the data is consistent with being in trans (on the opposite chromosome) from a pathogenic variant. This variant is not present in population databases (gnomAD no frequency).

Literature cited by the submitters: PubMed 32307445.

NM_000350.3(ABCA4):c.1293G>C (p.Trp431Cys)

Gene: ABCA4 (ATP binding cassette subfamily A member 4; minus strand). Cytogenetic location: 1p22.1.
Variant type: single nucleotide variant.
Coding change: c.1293G>C on transcript NM_000350.3 (MANE Select); coding-DNA position 1293, G replaced by C.
Protein change: p.Trp431Cys; replaces tryptophan 431 with cysteine.
Molecular consequence: missense variant.
Genome position (GRCh38, 1-based): chr1:94,078,653, C>G on the plus strand (G>C on the coding strand, the complement: ABCA4 is on the minus strand). VCF-style: chr1-94078653-C-G. GRCh37 (hg19) VCF-style: chr1-94544209-C-G.
Other names: c.1293G>C, p.Trp431Cys (NM_001425324.1); short protein forms W431C.
Identifiers: ClinVar variation 1364604 (VCV001364604.8), dbSNP rs886044725, ClinGen allele CA341282387.